The following is an entry in ClinVar:

ClinVar aggregate classification (germline): Uncertain significance. Review status: criteria provided, multiple submitters, no conflicts (2 of 4 stars). 2 submissions from 2 submitters: Uncertain significance (2). Last evaluated 2021-08-12.

Conditions:
Cataract 14 multiple types. Also called: CATARACT 14, ZONULAR PULVERULENT; CATARACT 14, NUCLEAR PULVERULENT; CATARACT 14, NUCLEAR PULVERULENT AND POSTERIOR POLAR; CATARACT 14, NUCLEAR CORALLIFORM; CATARACT 14, EMBRYONAL NUCLEAR; CATARACT 14, COPPOCK-LIKE. Identifiers: Orphanet 91492, MedGen C1866078, MONDO:0011162, OMIM 601885.

Allele frequency attached by ClinVar (database versions not stated): gnomAD 0.00001; gnomAD exomes 0.00003 and 0.00005; ExAC 0.00004; TOPMed 0.00006.
gnomAD v4.1: 20 of 1,613,232 alleles (0.0012%); highest among the groups gnomAD compares: Admixed American, 0.03%; no homozygotes.

Submissions (2):

Labcorp Genetics (formerly Invitae), Labcorp
Classification: Uncertain significance for Cataract 14 multiple types. Last evaluated: 2021-08-12. Review status: criteria provided, single submitter. Criteria: Invitae Variant Classification Sherloc (09022015). Collection method: clinical testing. Allele origin: germline.
Comment: Algorithms developed to predict the effect of missense changes on protein structure and function output the following: SIFT: "Tolerated"; PolyPhen-2: "Benign"; Align-GVGD: "Class C0". The valine amino acid residue is found in multiple mammalian species, which suggests that this missense change does not adversely affect protein function. In summary, the available evidence is currently insufficient to determine the role of this variant in disease. Therefore, it has been classified as a Variant of Uncertain Significance. This variant has not been reported in the literature in individuals affected with GJA3-related conditions. This sequence change replaces methionine with valine at codon 219 of the GJA3 protein (p.Met219Val). The methionine residue is moderately conserved and there is a small physicochemical difference between methionine and valine. This variant is present in population databases (rs746511873, ExAC 0.04%).

Breakthrough Genomics
Classification: Uncertain significance. Review status: criteria provided, single submitter. Criteria: ACMG Guidelines, 2015. Collection method: not provided. Allele origin: germline. Inheritance: Autosomal dominant inheritance. Affected: yes.

NM_021954.4(GJA3):c.655A>G (p.Met219Val)

Gene: GJA3 (gap junction protein alpha 3; minus strand). Cytogenetic location: 13q12.11.
Variant type: single nucleotide variant.
Coding change: c.655A>G on transcript NM_021954.4 (MANE Select); coding-DNA position 655, A replaced by G.
Protein change: p.Met219Val; replaces methionine 219 with valine.
Molecular consequence: missense variant.
Genome position (GRCh38, 1-based): chr13:20,142,634, T>C on the plus strand (A>G on the coding strand, the complement: GJA3 is on the minus strand). VCF-style: chr13-20142634-T-C. GRCh37 (hg19) VCF-style: chr13-20716773-T-C.
Other names: short protein forms M219V.
Identifiers: ClinVar variation 1413415 (VCV001413415.9), dbSNP rs746511873, ClinGen allele CA6904075.
Genomic context (GRCh38, chr13:20,142,634, plus strand): 5'-CGAGGCGGCTGGTCACGCCCTGCTTGAGCTTCTTCCAGCCCAGGTGGTAGATCTCCAGCA[T>C]GTTGAGCAGCAGGGACGCGCAGGCCACCGCCAGCATGAAGATGATGAAGATGGTCTTCTC-3'
Protein context (NP_068773.2, residues 209-229): AVACASLLLN[Met219Val]LEIYHLGWKK